The following is an entry in ClinVar:

ClinVar aggregate classification (germline): Likely benign. Review status: criteria provided, multiple submitters, no conflicts (2 of 4 stars). 2 submissions from 2 submitters: Likely benign (2). Last evaluated 2024-12-08.

Conditions:
Marfan syndrome (MFS). Also called: MARFAN SYNDROME, TYPE I; Marfan syndrome type 1; Marfan's syndrome; Marfan syndrome, classic; FBN1-Related Marfan Syndrome. Identifiers: Orphanet 284963, Orphanet 558, MedGen C0024796, MONDO:0007947, OMIM 154700.
Familial thoracic aortic aneurysm and aortic dissection (TAAD). Also called: Thoracic aortic aneurysms and dissections. Identifiers: Orphanet 91387, MedGen C4707243, MONDO:0019625.

Allele frequency attached by ClinVar (database versions not stated): gnomAD exomes below 0.00001; TOPMed below 0.00001.
gnomAD v4.1: 4 of 1,613,872 alleles (0.00025%); highest among the groups gnomAD compares: Non-Finnish European, 0.00034%; no homozygotes.

Submissions (2):

Labcorp Genetics (formerly Invitae), Labcorp
Classification: Likely benign for Marfan syndrome; Familial thoracic aortic aneurysm and aortic dissection. Last evaluated: 2024-12-08. Review status: criteria provided, single submitter. Criteria: Invitae Variant Classification Sherloc (09022015). Collection method: clinical testing. Allele origin: germline.

All of Us Research Program, National Institutes of Health
Classification: Likely benign for Marfan syndrome. Last evaluated: 2023-04-10. Review status: criteria provided, single submitter. Criteria: ACMG Guidelines, 2015. Collection method: clinical testing. Allele origin: germline. Inheritance: Autosomal dominant inheritance. Observed: 1 variant allele, 1 heterozygote.
Comment: This study involves interpretation of variants in research participants for the purpose of population health screening. Participant phenotype was not available at the time of variant classification. Additional details can be found in publication PMID: 35346344, PMCID: PMC8962531

NM_000138.5(FBN1):c.8547T>C (p.Tyr2849=)

Gene: FBN1 (fibrillin 1; minus strand). Cytogenetic location: 15q21.1.
Variant type: single nucleotide variant.
Coding change: c.8547T>C on transcript NM_000138.5 (MANE Select); coding-DNA position 8547, T replaced by C.
Protein change: p.Tyr2849=; no amino-acid change (tyrosine 2849 retained).
Molecular consequence: synonymous variant.
Genome position (GRCh38, 1-based): chr15:48,411,059, A>G on the plus strand (T>C on the coding strand, the complement: FBN1 is on the minus strand). VCF-style: chr15-48411059-A-G. GRCh37 (hg19) VCF-style: chr15-48703256-A-G.
Other names: c.8547T>C, p.Tyr2849= (NM_001406716.1).
Identifiers: ClinVar variation 3070487 (VCV003070487.3), dbSNP rs2042856892, ClinGen allele CA490118800.